The following is an entry in ClinVar:

ClinVar aggregate classification (germline): Uncertain significance (1 of 4 stars; one submission).

Allele frequency attached by ClinVar (database versions not stated): TOPMed below 0.00001; gnomAD exomes 0.00001 and 0.00002; ExAC 0.00002.
gnomAD v4.1: 4 of 1,610,598 alleles (0.00025%); highest among the groups gnomAD compares: Admixed American, 0.0067%; no homozygotes.

Submission:

Labcorp Genetics (formerly Invitae), Labcorp
Classification: Uncertain significance. Last evaluated: 2022-11-08. Review status: criteria provided, single submitter. Criteria: Invitae Variant Classification Sherloc (09022015). Collection method: clinical testing. Allele origin: germline.
Comment: In summary, the available evidence is currently insufficient to determine the role of this variant in disease. Therefore, it has been classified as a Variant of Uncertain Significance. Algorithms developed to predict the effect of missense changes on protein structure and function output the following: SIFT: "Tolerated"; PolyPhen-2: "Benign"; Align-GVGD: "Class C0". The arginine amino acid residue is found in multiple mammalian species, which suggests that this missense change does not adversely affect protein function. ClinVar contains an entry for this variant (Variation ID: 1518681). This variant has not been reported in the literature in individuals affected with PCARE-related conditions. This variant is present in population databases (rs779397432, gnomAD 0.01%). This sequence change replaces glycine, which is neutral and non-polar, with arginine, which is basic and polar, at codon 907 of the PCARE protein (p.Gly907Arg).

NM_001029883.3(PCARE):c.2719G>A (p.Gly907Arg)

Gene: PCARE (photoreceptor cilium actin regulator; minus strand). Cytogenetic location: 2p23.2.
Variant type: single nucleotide variant.
Coding change: c.2719G>A on transcript NM_001029883.3 (MANE Select); coding-DNA position 2719, G replaced by A.
Protein change: p.Gly907Arg; replaces glycine 907 with arginine.
Molecular consequence: missense variant.
Genome position (GRCh38, 1-based): chr2:29,071,543, C>T on the plus strand (G>A on the coding strand, the complement: PCARE is on the minus strand). VCF-style: chr2-29071543-C-T. GRCh37 (hg19) VCF-style: chr2-29294409-C-T.
Other names: short protein forms G907R.
Identifiers: ClinVar variation 1518681 (VCV001518681.6), dbSNP rs779397432, ClinGen allele CA1592135.